The following is an entry in ClinVar:

ClinVar aggregate classification (germline): Uncertain significance. Review status: criteria provided, multiple submitters, no conflicts (2 of 4 stars). 2 submissions from 2 submitters: Uncertain significance (2). Last evaluated 2024-05-23.

Conditions:
Thrombocytopenia 1. Also called: X-linked thrombocytopenia with normal platelets; X-Linked Thrombocytopenia (XLT); THROMBOCYTOPENIA, X-LINKED, 1. Identifiers: Orphanet 268322, Orphanet 852, MedGen C1839163, MONDO:0010743, OMIM 313900.
Wiskott-Aldrich syndrome (WAS). Also called: ALDRICH SYNDROME; IMMUNODEFICIENCY 2; WISKOTT-ALDRICH SYNDROME 1; Wiskott-aldrich syndrome, somatic. Identifiers: Orphanet 906, MedGen C0043194, MONDO:0010518, OMIM 301000.
X-linked severe congenital neutropenia (SCNX). Identifiers: Orphanet 86788, MedGen C1845987, MONDO:0010294, OMIM 300299.

Allele frequency attached by ClinVar (database versions not stated): gnomAD exomes below 0.00001; gnomAD 0.00001; TOPMed 0.00001.
gnomAD v4.1: 2 of 1,201,697 alleles (0.00017%); highest among the groups gnomAD compares: Non-Finnish European, 0.00022%; no homozygotes.

Submissions (2):

Labcorp Genetics (formerly Invitae), Labcorp
Classification: Uncertain significance for Wiskott-Aldrich syndrome; X-linked severe congenital neutropenia; Thrombocytopenia 1. Last evaluated: 2024-05-23. Review status: criteria provided, single submitter. Criteria: Invitae Variant Classification Sherloc (09022015). Collection method: clinical testing. Allele origin: germline.
Comment: This sequence change replaces glutamine, which is neutral and polar, with lysine, which is basic and polar, at codon 440 of the WAS protein (p.Gln440Lys). This variant is not present in population databases (gnomAD no frequency). This variant has not been reported in the literature in individuals affected with WAS-related conditions. Advanced modeling of protein sequence and biophysical properties (such as structural, functional, and spatial information, amino acid conservation, physicochemical variation, residue mobility, and thermodynamic stability) performed at Invitae indicates that this missense variant is not expected to disrupt WAS protein function with a negative predictive value of 80%. In summary, the available evidence is currently insufficient to determine the role of this variant in disease. Therefore, it has been classified as a Variant of Uncertain Significance.

Blueprint Genetics
Classification: Uncertain significance. Last evaluated: 2021-04-08. Review status: criteria provided, single submitter. Criteria: ACMG Guidelines, 2015. Collection method: clinical testing. Allele origin: germline.

NM_000377.3(WAS):c.1318C>A (p.Gln440Lys)

Gene: WAS (WASP actin nucleation promoting factor; plus strand). Cytogenetic location: Xp11.23.
Variant type: single nucleotide variant.
Coding change: c.1318C>A on transcript NM_000377.3 (MANE Select); coding-DNA position 1318, C replaced by A.
Protein change: p.Gln440Lys; replaces glutamine 440 with lysine.
Molecular consequence: missense variant.
Genome position (GRCh38, 1-based): chrX:48,689,046, C>A. VCF-style: chrX-48689046-C-A. GRCh37 (hg19) VCF-style: chrX-48547435-C-A.
Other names: short protein forms Q440K.
Identifiers: ClinVar variation 2924314 (VCV002924314.4), dbSNP rs1243089358, ClinGen allele CA412873711.